The following is an entry in ClinVar:

NM_006306.4(SMC1A):c.807G>A (p.Glu269=)

Gene: SMC1A (structural maintenance of chromosomes 1A; minus strand). Cytogenetic location: Xp11.22.
Variant type: single nucleotide variant.
Coding change: c.807G>A on transcript NM_006306.4 (MANE Select); coding-DNA position 807, G replaced by A.
Protein change: p.Glu269=; no amino-acid change (glutamic acid 269 retained).
Molecular consequence: synonymous variant.
Genome position (GRCh38, 1-based): chrX:53,412,947, C>T on the plus strand (G>A on the coding strand, the complement: SMC1A is on the minus strand). VCF-style: chrX-53412947-C-T. GRCh37 (hg19) VCF-style: chrX-53439897-C-T.
Other names: c.741G>A, p.Glu247= (NM_001281463.1).
Identifiers: ClinVar variation 4874064 (VCV004874064.2).

ClinVar aggregate classification (germline): Likely benign (1 of 4 stars; one submission).

Submission:

CeGaT Center for Human Genetics Tuebingen
Classification: Likely benign. Last evaluated: 2026-05-01. Review status: criteria provided, single submitter. Criteria: CeGaT Center For Human Genetics Tuebingen Variant Classification Criteria Version 2. Collection method: clinical testing. Allele origin: germline. Affected: yes. Observed: 2 variant alleles.
Comment: SMC1A: PM2:Supporting, BP4, BP7